The following is an entry in ClinVar:

ClinVar aggregate classification (germline): Pathogenic/Likely pathogenic. Review status: criteria provided, multiple submitters, no conflicts (2 of 4 stars). 3 submissions from 3 submitters: Pathogenic (1); Likely pathogenic (1). 1 of the submissions does not count toward it. Last evaluated 2022-06-01.

Conditions:
Hereditary spastic paraplegia 30. Identifiers: Orphanet 101010, MedGen C5235139, MONDO:0012476.
KIF1A-related disorder. Also called: KIF1A-related disorders; KIF1A-related condition.

Submissions (3):

Blueprint Genetics
Classification: Likely pathogenic for KIF1A-related disorders. Last evaluated: 2022-06-01. Review status: criteria provided, single submitter. Criteria: ACMG Guidelines, 2015. Collection method: clinical testing. Allele origin: de novo. Affected: yes. Observed: 1 variant allele.

Paris Brain Institute, Inserm - ICM
Classification: Pathogenic for Spastic paraplegia 30A, autosomal dominant. Review status: criteria provided, single submitter. Criteria: ACMG Guidelines, 2015. Collection method: clinical testing. Allele origin: unknown. Affected: yes. Observed: 1 variant allele.

Solve-RD Consortium
Classification: Likely pathogenic for Spastic paraplegia 30A, autosomal dominant. Last evaluated: 2022-06-01. Review status: no assertion criteria provided. Collection method: provider interpretation. Allele origin: inherited. Affected: yes. Not counted in ClinVar's aggregate classification.
Comment: Variant confirmed as disease-causing by referring clinical team

Variant identified during reanalysis of unsolved cases by the Solve-RD project. The Solve-RD project has received funding from the European Union’s Horizon 2020 research and innovation programme under grant agreement No 779257.

Literature cited by the submitters: PubMed 39825153 (cited by Solve-RD Consortium).

NM_001244008.2(KIF1A):c.1013A>G (p.Tyr338Cys)

Gene: KIF1A (kinesin family member 1A; minus strand). Cytogenetic location: 2q37.3.
Variant type: single nucleotide variant.
Coding change: c.1013A>G on transcript NM_001244008.2 (MANE Select); coding-DNA position 1013, A replaced by G.
Protein change: p.Tyr338Cys; replaces tyrosine 338 with cysteine.
Molecular consequence: missense variant.
Genome position (GRCh38, 1-based): chr2:240,774,207, T>C on the plus strand (A>G on the coding strand, the complement: KIF1A is on the minus strand). VCF-style: chr2-240774207-T-C. GRCh37 (hg19) VCF-style: chr2-241713624-T-C.
Other names: c.1013A>G, p.Tyr338Cys (NM_001320705.2, NM_001330289.2, NM_001330290.2 and 20 more transcripts); short protein forms Y338C.
Identifiers: ClinVar variation 988992 (VCV000988992.3), dbSNP rs2125976707, ClinGen allele CA351296704.
Genomic context (GRCh38, chr2:240,774,207, plus strand): 5'-AGCGGGAAGCAGAGCTTGTCTCCCTGGAGAACTCACCTCAGCGTGCTAAGGGTCTCATCG[T>C]AGTTGATGTCTGCAGGACTCAAGGCTGCCACCATAGCTGTCCTTGAGTTACCGCCTGTGG-3'
Protein context (NP_001230937.1, residues 328-348): VAALSPADIN[Tyr338Cys]DETLSTLRYA